The following is an entry in ClinVar:

ClinVar aggregate classification (germline): Uncertain significance (1 of 4 stars; one submission).

Submission:

Labcorp Genetics (formerly Invitae), Labcorp
Classification: Uncertain significance. Last evaluated: 2025-01-29. Review status: criteria provided, single submitter. Criteria: Invitae Variant Classification Sherloc (09022015). Collection method: clinical testing. Allele origin: germline.
Comment: This sequence change replaces serine, which is neutral and polar, with phenylalanine, which is neutral and non-polar, at codon 41 of the TRMT10C protein (p.Ser41Phe). This variant is not present in population databases (gnomAD no frequency). This variant has not been reported in the literature in individuals affected with TRMT10C-related conditions. An algorithm developed to predict the effect of missense changes on protein structure and function (PolyPhen-2) suggests that this variant is likely to be disruptive. In summary, the available evidence is currently insufficient to determine the role of this variant in disease. Therefore, it has been classified as a Variant of Uncertain Significance.

NM_017819.4(TRMT10C):c.122C>T (p.Ser41Phe)

Gene: TRMT10C (tRNA methyltransferase 10C, mitochondrial RNase P subunit; plus strand). Cytogenetic location: 3q12.3.
Variant type: single nucleotide variant.
Coding change: c.122C>T on transcript NM_017819.4 (MANE Select); coding-DNA position 122, C replaced by T.
Protein change: p.Ser41Phe; replaces serine 41 with phenylalanine.
Molecular consequence: missense variant.
Genome position (GRCh38, 1-based): chr3:101,564,903, C>T. VCF-style: chr3-101564903-C-T. GRCh37 (hg19) VCF-style: chr3-101283747-C-T.
Other names: short protein forms S41F.
Identifiers: ClinVar variation 4778466 (VCV004778466.1).
Genomic context (GRCh38, chr3:101,564,903, plus strand): 5'-TGGTGCCATTTACCCTTCATAGGAAGAGAAATAACTTAACAATTTTGCAGAGATACATGT[C>T]TTCCAAAATACCAGCTGTTACTTATCCTAAAAATGAGAGTACACCCCCTTCTGAAGAGCT-3'
Protein context (NP_060289.2, residues 31-51): NNLTILQRYM[Ser41Phe]SKIPAVTYPK